The following is an entry in ClinVar:

NM_014264.5(PLK4):c.2209_2210del (p.Glu737fs)

Gene: PLK4 (polo like kinase 4; plus strand). Cytogenetic location: 4q28.1.
Variant type: Deletion.
Coding change: c.2209_2210del on transcript NM_014264.5 (MANE Select); coding-DNA positions 2209 to 2210, 2 bases deleted (GA; older notation c.2209_2210delGA).
Protein change: p.Glu737fs; shifts the reading frame from glutamic acid 737.
Molecular consequence: frameshift variant.
Genome position (GRCh38, 1-based): chr4:127,893,305-127,893,306, GA deleted; deleting any 2 consecutive bases within chr4:127,893,304-127,893,306 gives the same sequence; the c. name uses the placement nearest the transcript's 3' end. VCF-style (leftmost placement, unchanged base first): chr4-127893303-CAG-C. GRCh37 (hg19) VCF-style: chr4-128814458-CAG-C.
Other names: c.2113_2114del, p.Glu705fs (NM_001190799.2); c.2086_2087del, p.Glu696fs (NM_001190801.2); short protein forms E696fs, E705fs, E737fs.
Identifiers: ClinVar variation 2636727 (VCV002636727.5), dbSNP rs774505771, ClinGen allele CA3076995.

ClinVar aggregate classification (germline): Conflicting classifications of pathogenicity. Review status: criteria provided, conflicting classifications (1 of 4 stars). 2 submissions from 2 submitters: Pathogenic (1); Uncertain significance (1). Last evaluated 2025-07-29.

Conditions:
PLK4-related disorder. Also called: PLK4-related condition.

Submissions (2):

PreventionGenetics, part of Exact Sciences
Classification: Uncertain significance for PLK4-related condition. Last evaluated: 2025-07-29. Review status: criteria provided, single submitter. Criteria: ACMG Guidelines, 2015. Collection method: clinical testing. Allele origin: germline.
Comment: The PLK4 c.2209_2210delGA variant is predicted to result in a frameshift and premature protein termination (p.Glu737Argfs*7). To our knowledge, this variant has not been reported in the PLK4-related conditions, and all reported loss-of-function variants in PLK4 have been reported upstream of this location. This variant is reported in 0.0037% of alleles in individuals of South Asian descent in gnomAD. At this time, the clinical significance of this variant is uncertain due to the absence of conclusive functional and genetic evidence.

Labcorp Genetics (formerly Invitae), Labcorp
Classification: Pathogenic. Last evaluated: 2024-08-14. Review status: criteria provided, single submitter. Criteria: Invitae Variant Classification Sherloc (09022015). Collection method: clinical testing. Allele origin: germline.
Comment: This sequence change creates a premature translational stop signal (p.Glu737Argfs*7) in the PLK4 gene. It is expected to result in an absent or disrupted protein product. Loss-of-function variants in PLK4 are known to be pathogenic (PMID: 25320347, 30842647). This variant is present in population databases (rs774505771, gnomAD 0.004%). This variant has not been reported in the literature in individuals affected with PLK4-related conditions. ClinVar contains an entry for this variant (Variation ID: 2636727). Algorithms developed to predict the effect of sequence changes on RNA splicing suggest that this variant may disrupt the consensus splice site. For these reasons, this variant has been classified as Pathogenic.

Literature cited by the submitters: PubMed 25320347 (cited by Labcorp Genetics (formerly Invitae), Labcorp); PubMed 30842647 (cited by Labcorp Genetics (formerly Invitae), Labcorp).